The following is an entry in ClinVar:

NM_007317.3(KIF22):c.334C>G (p.Leu112Val)

Gene: KIF22 (kinesin family member 22; plus strand). Cytogenetic location: 16p11.2.
Variant type: single nucleotide variant.
Coding change: c.334C>G on transcript NM_007317.3 (MANE Select); coding-DNA position 334, C replaced by G.
Protein change: p.Leu112Val; replaces leucine 112 with valine.
Molecular consequence: missense variant.
Genome position (GRCh38, 1-based): chr16:29,798,441, C>G. VCF-style: chr16-29798441-C-G. GRCh37 (hg19) VCF-style: chr16-29809762-C-G.
Other names: c.130C>G, p.Leu44Val (NM_001256269.2, NM_001256270.1); short protein forms L112V, L44V.
Identifiers: ClinVar variation 1714770 (VCV001714770.5), dbSNP rs1899012640, ClinGen allele CA395450695.
Genomic context (GRCh38, chr16:29,798,441, plus strand): 5'-GCCTTCTATGGGGAGAGGAGTACTCAGCAGGACATCTATGCAGGTTCAGTGCAGCCCATC[C>G]TAAGGCACTTGCTGGAAGGGCAGAATGCCAGTGTGCTTGCCTATGGACCCACAGGAGCTG-3'
Protein context (NP_015556.1, residues 102-122): DIYAGSVQPI[Leu112Val]RHLLEGQNAS

ClinVar aggregate classification (germline): Uncertain significance (1 of 4 stars; one submission).

Allele frequency attached by ClinVar (database versions not stated): TOPMed below 0.00001.

Submission:

Labcorp Genetics (formerly Invitae), Labcorp
Classification: Uncertain significance. Last evaluated: 2026-01-05. Review status: criteria provided, single submitter. Criteria: Invitae Variant Classification Sherloc (09022015). Collection method: clinical testing. Allele origin: germline.
Comment: This sequence change replaces leucine, which is neutral and non-polar, with valine, which is neutral and non-polar, at codon 112 of the KIF22 protein (p.Leu112Val). This variant is not present in population databases (gnomAD no frequency). This variant has not been reported in the literature in individuals affected with KIF22-related conditions. ClinVar contains an entry for this variant (Variation ID: 1714770). Invitae Evidence Modeling of protein sequence and biophysical properties (such as structural, functional, and spatial information, amino acid conservation, physicochemical variation, residue mobility, and thermodynamic stability) indicates that this missense variant is not expected to disrupt KIF22 protein function with a negative predictive value of 80%. In summary, the available evidence is currently insufficient to determine the role of this variant in disease. Therefore, it has been classified as a Variant of Uncertain Significance.